The following is an entry in ClinVar:

ClinVar aggregate classification (germline): Likely benign. Review status: criteria provided, single submitter (1 of 4 stars). 2 submissions from 2 submitters: Likely benign (1). 1 of the submissions does not count toward it. Last evaluated 2025-06-01.

Conditions:
AFF4-related disorder. Also called: AFF4-related condition.
Cognitive impairment - coarse facies - heart defects - obesity - pulmonary involvement - short stature - skeletal dysplasia syndrome. Also called: Chops syndrome; COGNITIVE IMPAIRMENT, COARSE FACIES, HEART DEFECTS, OBESITY, PULMONARY INVOLVEMENT, SHORT STATURE, AND SKELETAL DYSPLASIA; AFF4-Related CHOPS Syndrome. Identifiers: Orphanet 444077, MedGen C4085597, MONDO:0014609, OMIM 616368.

Submissions (2):

Labcorp Genetics (formerly Invitae), Labcorp
Classification: Likely benign for Cognitive impairment - coarse facies - heart defects - obesity - pulmonary involvement - short stature - skeletal dysplasia syndrome. Last evaluated: 2025-06-01. Review status: criteria provided, single submitter. Criteria: Invitae Variant Classification Sherloc (09022015). Collection method: clinical testing. Allele origin: germline.

PreventionGenetics, part of Exact Sciences
Classification: Likely benign for AFF4-related condition. Last evaluated: 2021-12-13. Review status: no assertion criteria provided. Collection method: clinical testing. Allele origin: germline. Not counted in ClinVar's aggregate classification.
Comment: This variant is classified as likely benign based on ACMG/AMP sequence variant interpretation guidelines (Richards et al. 2015 PMID: 25741868, with internal and published modifications).

NM_014423.4(AFF4):c.3129G>A (p.Ser1043=)

Gene: AFF4 (ALF transcription elongation factor 4; minus strand). Cytogenetic location: 5q31.1.
Variant type: single nucleotide variant.
Coding change: c.3129G>A on transcript NM_014423.4 (MANE Select); coding-DNA position 3129, G replaced by A.
Protein change: p.Ser1043=; no amino-acid change (serine 1043 retained).
Molecular consequence: synonymous variant.
Genome position (GRCh38, 1-based): chr5:132,885,090, C>T on the plus strand (G>A on the coding strand, the complement: AFF4 is on the minus strand). VCF-style: chr5-132885090-C-T. GRCh37 (hg19) VCF-style: chr5-132220782-C-T.
Identifiers: ClinVar variation 3035840 (VCV003035840.4), dbSNP rs531149803, ClinGen allele CA3408732.